The following is an entry in ClinVar:

NM_015937.6(PIGT):c.753G>A (p.Thr251=)

Gene: PIGT (phosphatidylinositol glycan anchor biosynthesis class T; plus strand). Cytogenetic location: 20q13.12.
Variant type: single nucleotide variant.
Coding change: c.753G>A on transcript NM_015937.6 (MANE Select); coding-DNA position 753, G replaced by A.
Protein change: p.Thr251=; no amino-acid change (threonine 251 retained).
Molecular consequence: synonymous variant. On other transcripts: non-coding transcript variant (5).
Genome position (GRCh38, 1-based): chr20:45,420,207, G>A. VCF-style: chr20-45420207-G-A. GRCh37 (hg19) VCF-style: chr20-44048847-G-A.
Other names: c.585G>A, p.Thr195= (NM_001184728.3); c.753G>A, p.Thr251= (NM_001184729.3); c.447G>A, p.Thr149= (NM_001184730.3).
Identifiers: ClinVar variation 747636 (VCV000747636.39), dbSNP rs374179368, ClinGen allele CA9878031.

ClinVar aggregate classification (germline): Conflicting classifications of pathogenicity. Review status: criteria provided, conflicting classifications (1 of 4 stars). 3 submissions from 3 submitters: Uncertain significance (1); Likely benign (2). Last evaluated 2025-12-14.

Conditions:
Multiple congenital anomalies-hypotonia-seizures syndrome 3 (MCAHS3). Also called: GLYCOSYLPHOSPHATIDYLINOSITOL BIOSYNTHESIS DEFECT 7. Identifiers: Orphanet 369837, MedGen C3809356, MONDO:0014165, OMIM 615398.

Allele frequency attached by ClinVar (database versions not stated): gnomAD exomes 0.00007 and 0.00006; ESP Exome Variant Server 0.00008; TOPMed 0.00008; ExAC 0.00009; gnomAD 0.00012 and 0.00014.
gnomAD v4.1: 110 of 1,611,226 alleles (0.0068%); highest among the groups gnomAD compares: Middle Eastern, 0.099%; no homozygotes.

Submissions (5):

Labcorp Genetics (formerly Invitae), Labcorp
Classification: Likely benign for Multiple congenital anomalies-hypotonia-seizures syndrome 3. Last evaluated: 2025-12-14. Review status: criteria provided, single submitter. Criteria: Invitae Variant Classification Sherloc (09022015). Collection method: clinical testing. Allele origin: germline.

CeGaT Center for Human Genetics Tuebingen
Classification: Likely benign. Last evaluated: 2025-08-01. Review status: criteria provided, single submitter. Criteria: CeGaT Center For Human Genetics Tuebingen Variant Classification Criteria Version 2. Collection method: clinical testing. Allele origin: germline. Affected: yes. Observed: 2 variant alleles.
Comment: PIGT: BP4, BP7

Mayo Clinic Laboratories, Mayo Clinic
Classification: Uncertain significance. Last evaluated: 2019-04-17. Review status: criteria provided, single submitter. Criteria: ACMG Guidelines, 2015. Collection method: clinical testing. Allele origin: germline. Observed: 1 variant allele.

Dr. Peter K. Rogan Lab, Western University
No classification provided (evidence only). Condition: Melanoma. Review status: no classification provided. Collection method: in vitro. Allele origin: not applicable. Functional consequence: retained intron. Not counted in ClinVar's aggregate classification.

Dr. Peter K. Rogan Lab, Western University
No classification provided (evidence only). Condition: Melanoma. Review status: no classification provided. Collection method: in vitro. Allele origin: not applicable. Functional consequence: retained intron. Not counted in ClinVar's aggregate classification.